The following is an entry in ClinVar:

ClinVar aggregate classification (germline): Uncertain significance (1 of 4 stars; one submission).

Submission:

Labcorp Genetics (formerly Invitae), Labcorp
Classification: Uncertain significance. Last evaluated: 2022-02-02. Review status: criteria provided, single submitter. Criteria: Invitae Variant Classification Sherloc (09022015). Collection method: clinical testing. Allele origin: germline.
Comment: This sequence change replaces isoleucine, which is neutral and non-polar, with serine, which is neutral and polar, at codon 538 of the FRMD7 protein (p.Ile538Ser). This variant is not present in population databases (gnomAD no frequency). This variant has not been reported in the literature in individuals affected with FRMD7-related conditions. ClinVar contains an entry for this variant (Variation ID: 1042477). Algorithms developed to predict the effect of missense changes on protein structure and function output the following: SIFT: "Tolerated"; PolyPhen-2: "Benign"; Align-GVGD: "Class C0". The serine amino acid residue is found in multiple mammalian species, which suggests that this missense change does not adversely affect protein function. In summary, the available evidence is currently insufficient to determine the role of this variant in disease. Therefore, it has been classified as a Variant of Uncertain Significance.

NM_194277.3(FRMD7):c.1613T>G (p.Ile538Ser)

Gene: FRMD7 (FERM domain containing 7; minus strand). Cytogenetic location: Xq26.2.
Variant type: single nucleotide variant.
Coding change: c.1613T>G on transcript NM_194277.3 (MANE Select); coding-DNA position 1613, T replaced by G.
Protein change: p.Ile538Ser; replaces isoleucine 538 with serine.
Molecular consequence: missense variant.
Genome position (GRCh38, 1-based): chrX:132,078,404, A>C on the plus strand (T>G on the coding strand, the complement: FRMD7 is on the minus strand). VCF-style: chrX-132078404-A-C. GRCh37 (hg19) VCF-style: chrX-131212432-A-C.
Other names: c.1568T>G, p.Ile523Ser (NM_001306193.2); short protein forms I523S, I538S.
Identifiers: ClinVar variation 1042477 (VCV001042477.8), dbSNP rs1927687704, ClinGen allele CA414678693.
Genomic context (GRCh38, chrX:132,078,404, plus strand): 5'-CTAGTCCTGGCTATAGCTTCTTGGAGTACTTGCAGGTCTTGCTGAAAGCTCTTCATTCTG[A>C]TATTCCTTGGGCTTCTTTCAGCTGGCTTCATTGCAGTGGGCTCTACATAGCTATGTGGAC-3'
Protein context (NP_919253.1, residues 528-548): MKPAERSPRN[Ile538Ser]RMKSFQQDLQ